The following is an entry in ClinVar:

NM_001379500.1(COL18A1):c.2214C>G (p.Pro738=)

Gene: COL18A1 (collagen type XVIII alpha 1 chain; plus strand). Cytogenetic location: 21q22.3.
Variant type: single nucleotide variant.
Coding change: c.2214C>G on transcript NM_001379500.1 (MANE Select); coding-DNA position 2214, C replaced by G.
Protein change: p.Pro738=; no amino-acid change (proline 738 retained).
Molecular consequence: synonymous variant.
Genome position (GRCh38, 1-based): chr21:45,492,713, C>G. VCF-style: chr21-45492713-C-G. GRCh37 (hg19) VCF-style: chr21-46912627-C-G.
Other names: c.2754C>G, p.Pro918= (NM_030582.4); c.3459C>G, p.Pro1153= (NM_130444.3).
Identifiers: ClinVar variation 1370409 (VCV001370409.6), dbSNP rs199910738, ClinGen allele CA512686614.

ClinVar aggregate classification (germline): Uncertain significance (1 of 4 stars; one submission).

gnomAD v4.1: 9 of 1,606,382 alleles (0.00056%); highest among the groups gnomAD compares: Non-Finnish European, 0.00076%; no homozygotes.

Submission:

Labcorp Genetics (formerly Invitae), Labcorp
Classification: Uncertain significance. Last evaluated: 2021-07-27. Review status: criteria provided, single submitter. Criteria: Invitae Variant Classification Sherloc (09022015). Collection method: clinical testing. Allele origin: germline.
Comment: Experimental studies and prediction algorithms are not available or were not evaluated, and the functional significance of this variant is currently unknown. This variant has not been reported in the literature in individuals affected with COL18A1-related conditions. This variant is not present in population databases (ExAC no frequency). This sequence change affects codon 738 of the COL18A1 mRNA. It is a 'silent' change, meaning that it does not change the encoded amino acid sequence of the COL18A1 protein. It affects a nucleotide within the consensus splice site of the intron. In summary, the available evidence is currently insufficient to determine the role of this variant in disease. Therefore, it has been classified as a Variant of Uncertain Significance.